The following is an entry in ClinVar:

NM_004320.6(ATP2A1):c.2980+1G>C

Gene: ATP2A1 (ATPase sarcoplasmic/endoplasmic reticulum Ca2+ transporting 1; plus strand). Cytogenetic location: 16p11.2.
Variant type: single nucleotide variant.
Coding change: c.2980+1G>C on transcript NM_004320.6 (MANE Select); the canonical splice donor site of the intron after coding-DNA position 2980, G replaced by C.
Molecular consequence: splice donor variant.
Genome position (GRCh38, 1-based): chr16:28,903,441, G>C. VCF-style: chr16-28903441-G-C. GRCh37 (hg19) VCF-style: chr16-28914762-G-C.
Other names: c.2980+1G>C (NM_173201.5); c.2605+1G>C (NM_001286075.2).
Identifiers: ClinVar variation 3716525 (VCV003716525.2).

ClinVar aggregate classification (germline): Uncertain significance (1 of 4 stars; one submission).

Conditions:
Brody myopathy. Also called: BRODY DISEASE. Identifiers: Orphanet 53347, MedGen C1832918, MONDO:0010977, OMIM 601003.

gnomAD v4.1: 2 of 1,611,400 alleles (0.00012%); highest among the groups gnomAD compares: Non-Finnish European, 0.00017%; no homozygotes.

Submission:

Labcorp Genetics (formerly Invitae), Labcorp
Classification: Uncertain significance for Brody myopathy. Last evaluated: 2024-07-12. Review status: criteria provided, single submitter. Criteria: Invitae Variant Classification Sherloc (09022015). Collection method: clinical testing. Allele origin: germline.
Comment: This sequence change affects a donor splice site in intron 21 of the ATP2A1 gene. While this variant is not anticipated to result in nonsense mediated decay, it likely alters RNA splicing and results in a disrupted protein product. This variant is present in population databases (rs753539984, gnomAD 0.0009%). This variant has not been reported in the literature in individuals affected with ATP2A1-related conditions. Variants that disrupt the consensus splice site are a relatively common cause of aberrant splicing (PMID: 17576681, 9536098). Algorithms developed to predict the effect of sequence changes on RNA splicing suggest that this variant may disrupt the consensus splice site. In summary, the available evidence is currently insufficient to determine the role of this variant in disease. Therefore, it has been classified as a Variant of Uncertain Significance.

Literature cited by the submitters: PubMed 17576681; PubMed 9536098.